The following is an entry in ClinVar:

ClinVar aggregate classification (germline): Uncertain significance (1 of 4 stars; one submission).

Allele frequency attached by ClinVar (database versions not stated): gnomAD exomes below 0.00001; TOPMed below 0.00001.
gnomAD v4.1: 2 of 1,614,120 alleles (0.00012%); highest among the groups gnomAD compares: Admixed American, 0.0033%; no homozygotes.

Submission:

Labcorp Genetics (formerly Invitae), Labcorp
Classification: Uncertain significance. Last evaluated: 2024-05-22. Review status: criteria provided, single submitter. Criteria: Invitae Variant Classification Sherloc (09022015). Collection method: clinical testing. Allele origin: germline.
Comment: This sequence change replaces lysine, which is basic and polar, with glutamic acid, which is acidic and polar, at codon 3131 of the DNAH9 protein (p.Lys3131Glu). This variant is not present in population databases (gnomAD no frequency). This variant has not been reported in the literature in individuals affected with DNAH9-related conditions. ClinVar contains an entry for this variant (Variation ID: 1464920). Advanced modeling of protein sequence and biophysical properties (such as structural, functional, and spatial information, amino acid conservation, physicochemical variation, residue mobility, and thermodynamic stability) performed at Invitae indicates that this missense variant is not expected to disrupt DNAH9 protein function with a negative predictive value of 80%. In summary, the available evidence is currently insufficient to determine the role of this variant in disease. Therefore, it has been classified as a Variant of Uncertain Significance.

NM_001372.4(DNAH9):c.9391A>G (p.Lys3131Glu)

Gene: DNAH9 (dynein axonemal heavy chain 9; plus strand). Cytogenetic location: 17p12.
Variant type: single nucleotide variant.
Coding change: c.9391A>G on transcript NM_001372.4 (MANE Select); coding-DNA position 9391, A replaced by G.
Protein change: p.Lys3131Glu; replaces lysine 3131 with glutamic acid.
Molecular consequence: missense variant.
Genome position (GRCh38, 1-based): chr17:11,834,782, A>G. VCF-style: chr17-11834782-A-G. GRCh37 (hg19) VCF-style: chr17-11738099-A-G.
Other names: short protein forms K3131E.
Identifiers: ClinVar variation 1464920 (VCV001464920.5), dbSNP rs1342488953, ClinGen allele CA398189706.